The following is an entry in ClinVar:

ClinVar aggregate classification (germline): Pathogenic. Review status: criteria provided, multiple submitters, no conflicts (2 of 4 stars). 3 submissions from 3 submitters: Pathogenic (2). 1 of the submissions does not count toward it. Last evaluated 2023-07-21.

Conditions:
EXT2-related disorder. Also called: EXT2-related condition.
Exostoses, multiple, type 2 (EXT2). Also called: Hereditary Multiple Osteochondromatosis, Type II; EXOSTOSES, MULTIPLE, TYPE II. Identifiers: Orphanet 321, MedGen C1851413, MONDO:0007586, OMIM 133701.

Submissions (3):

Labcorp Genetics (formerly Invitae), Labcorp
Classification: Pathogenic for Exostoses, multiple, type 2. Last evaluated: 2023-07-21. Review status: criteria provided, single submitter. Criteria: Invitae Variant Classification Sherloc (09022015). Collection method: clinical testing. Allele origin: germline.
Comment: This sequence change creates a premature translational stop signal (p.Val154Profs*115) in the EXT2 gene. It is expected to result in an absent or disrupted protein product. Loss-of-function variants in EXT2 are known to be pathogenic (PMID: 10679937, 19810120). This variant is not present in population databases (gnomAD no frequency). This premature translational stop signal has been observed in individual(s) with clinical features of multiple exostoses (PMID: 8782816). It has also been observed to segregate with disease in related individuals. This variant is also known as 784-787del. ClinVar contains an entry for this variant (Variation ID: 2471). For these reasons, this variant has been classified as Pathogenic.

PreventionGenetics, part of Exact Sciences
Classification: Pathogenic for EXT2-related condition. Last evaluated: 2023-05-15. Review status: criteria provided, single submitter. Criteria: ACMG Guidelines, 2015. Collection method: clinical testing. Allele origin: germline.
Comment: The EXT2 c.454_457delCTGT variant is predicted to result in a frameshift and premature protein termination (p.Val154Profs*115). This variant has been previously reported in an individual with hereditary multiple osteochondromas (Table 2, Fusco et al. 2019. PubMed ID: 30806661). This variant has not been reported in a large population database, indicating this variant is rare. Frameshift variants in EXT2 are expected to be pathogenic. This variant is interpreted as pathogenic.

OMIM
Classification: Pathogenic for EXOSTOSES, MULTIPLE, TYPE II. Last evaluated: 1996-09-01. Review status: no assertion criteria provided. Collection method: literature only. Allele origin: germline. Not counted in ClinVar's aggregate classification.

Literature cited by the submitters: PubMed 10679937 (cited by Labcorp Genetics (formerly Invitae), Labcorp); PubMed 19810120 (cited by Labcorp Genetics (formerly Invitae), Labcorp); PubMed 8782816 (cited by Labcorp Genetics (formerly Invitae), Labcorp and OMIM).

NM_207122.2(EXT2):c.454_457del (p.Val154fs)

Gene: EXT2 (exostosin glycosyltransferase 2; plus strand). Cytogenetic location: 11p11.2.
Variant type: Microsatellite.
Coding change: c.454_457del on transcript NM_207122.2 (MANE Select); coding-DNA positions 454 to 457, 4 bases deleted (CTGT; older notation c.454_457delCTGT).
Protein change: p.Val154fs; shifts the reading frame from valine 154.
Molecular consequence: frameshift variant.
Genome position (GRCh38, 1-based): chr11:44,108,166-44,108,169, CTGT deleted; deleting any 4 consecutive bases within chr11:44,108,162-44,108,169 gives the same sequence; the c. name uses the placement nearest the transcript's 3' end. VCF-style (leftmost placement, unchanged base first): chr11-44108161-CCTGT-C. GRCh37 (hg19) VCF-style: chr11-44129711-CCTGT-C.
Other names: c.553_556del, p.Val187fs (NM_000401.3); c.454_457del, p.Val154fs (NM_001178083.3); c.454_457delCTGT (NM_207122.1); c.454_457del (NM_207122.1); short protein forms V187fs, V154fs.
Identifiers: ClinVar variation 2471 (VCV000002471.14), dbSNP rs864309636, ClinGen allele CA278577.